The following is an entry in ClinVar:

NM_000016.6(ACADM):c.725A>G (p.Gln242Arg)

Gene: ACADM (acyl-CoA dehydrogenase medium chain; plus strand). Cytogenetic location: 1p31.1.
Variant type: single nucleotide variant.
Coding change: c.725A>G on transcript NM_000016.6 (MANE Select); coding-DNA position 725, A replaced by G.
Protein change: p.Gln242Arg; replaces glutamine 242 with arginine.
Molecular consequence: missense variant.
Genome position (GRCh38, 1-based): chr1:75,749,435, A>G. VCF-style: chr1-75749435-A-G. GRCh37 (hg19) VCF-style: chr1-76215120-A-G.
Other names: c.737A>G, p.Gln246Arg (NM_001127328.3); c.617A>G, p.Gln206Arg (NM_001286042.2); c.824A>G, p.Gln275Arg (NM_001286043.2); c.158A>G, p.Gln53Arg (NM_001286044.2); short protein forms Q206R, Q242R, Q275R, Q246R, Q53R.
Identifiers: ClinVar variation 1993409 (VCV001993409.1), dbSNP rs2525647477, ClinGen allele CA340816541.

ClinVar aggregate classification (germline): Uncertain significance (1 of 4 stars; one submission).

Conditions:
Medium-chain acyl-coenzyme A dehydrogenase deficiency (ACADMD). Also called: ACADM DEFICIENCY; MCAD Deficiency; MCADH DEFICIENCY; CARNITINE DEFICIENCY SECONDARY TO MEDIUM-CHAIN ACYL-CoA DEHYDROGENASE DEFICIENCY; Medium chain acyl-CoA dehydrogenase deficiency; MCADD. Identifiers: Orphanet 42, MedGen C0220710, MONDO:0008721, OMIM 201450.

Submission:

Labcorp Genetics (formerly Invitae), Labcorp
Classification: Uncertain significance for Medium-chain acyl-coenzyme A dehydrogenase deficiency. Last evaluated: 2022-05-12. Review status: criteria provided, single submitter. Criteria: Invitae Variant Classification Sherloc (09022015). Collection method: clinical testing. Allele origin: germline.
Comment: This sequence change replaces glutamine, which is neutral and polar, with arginine, which is basic and polar, at codon 242 of the ACADM protein (p.Gln242Arg). This variant is not present in population databases (gnomAD no frequency). This variant has not been reported in the literature in individuals affected with ACADM-related conditions. Advanced modeling of protein sequence and biophysical properties (such as structural, functional, and spatial information, amino acid conservation, physicochemical variation, residue mobility, and thermodynamic stability) performed at Invitae indicates that this missense variant is expected to disrupt ACADM protein function. In summary, the available evidence is currently insufficient to determine the role of this variant in disease. Therefore, it has been classified as a Variant of Uncertain Significance.